The following is an entry in ClinVar:

ClinVar aggregate classification (germline): Uncertain significance. Review status: criteria provided, multiple submitters, no conflicts (2 of 4 stars). 3 submissions from 3 submitters: Uncertain significance (3). Last evaluated 2025-02-24.

Conditions:
Inborn genetic diseases. Identifiers: MedGen C0950123, MeSH D030342.

Allele frequency attached by ClinVar (database versions not stated): gnomAD exomes below 0.00001; TOPMed 0.00001; gnomAD 0.00001.
gnomAD v4.1: 5 of 1,613,406 alleles (0.00031%); highest among the groups gnomAD compares: Non-Finnish European, 0.00042%; no homozygotes.

Submissions (3):

Labcorp Genetics (formerly Invitae), Labcorp
Classification: Uncertain significance. Last evaluated: 2025-02-24. Review status: criteria provided, single submitter. Criteria: Invitae Variant Classification Sherloc (09022015). Collection method: clinical testing. Allele origin: germline.
Comment: This sequence change replaces glycine, which is neutral and non-polar, with aspartic acid, which is acidic and polar, at codon 825 of the COL4A4 protein (p.Gly825Asp). This variant is present in population databases (no rsID available, gnomAD 0.01%). This variant has not been reported in the literature in individuals affected with COL4A4-related conditions. ClinVar contains an entry for this variant (Variation ID: 1975896). Invitae Evidence Modeling of protein sequence and biophysical properties (such as structural, functional, and spatial information, amino acid conservation, physicochemical variation, residue mobility, and thermodynamic stability) indicates that this missense variant is expected to disrupt COL4A4 protein function with a positive predictive value of 95%. In summary, the available evidence is currently insufficient to determine the role of this variant in disease. Therefore, it has been classified as a Variant of Uncertain Significance.

Ambry Genetics
Classification: Uncertain significance for Inborn genetic diseases. Last evaluated: 2024-08-11. Review status: criteria provided, single submitter. Criteria: Ambry Variant Classification Scheme 2023. Collection method: clinical testing. Allele origin: germline.

Women's Health and Genetics/Laboratory Corporation of America, LabCorp
Classification: Uncertain significance. Last evaluated: 2024-08-01. Review status: criteria provided, single submitter. Criteria: LabCorp Variant Classification Summary - May 2015. Collection method: clinical testing. Allele origin: germline.
Comment: Variant summary: COL4A4 c.2474G>A (p.Gly825Asp) results in a non-conservative amino acid change in the encoded protein sequence. Five of five in-silico tools predict a damaging effect of the variant on protein function. The variant was absent in 247854 control chromosomes. The available data on variant occurrences in the general population are insufficient to allow any conclusion about variant significance. To our knowledge, no occurrence of c.2474G>A in individuals affected with Alport Syndrome, Autosomal Recessive and no experimental evidence demonstrating its impact on protein function have been reported. ClinVar contains an entry for this variant (Variation ID: 1975896). Based on the evidence outlined above, the variant was classified as uncertain significance.

NM_000092.5(COL4A4):c.2474G>A (p.Gly825Asp)

Gene: COL4A4 (collagen type IV alpha 4 chain; minus strand). Cytogenetic location: 2q36.3.
Variant type: single nucleotide variant.
Coding change: c.2474G>A on transcript NM_000092.5 (MANE Select); coding-DNA position 2474, G replaced by A.
Protein change: p.Gly825Asp; replaces glycine 825 with aspartic acid.
Molecular consequence: missense variant.
Genome position (GRCh38, 1-based): chr2:227,057,510, C>T on the plus strand (G>A on the coding strand, the complement: COL4A4 is on the minus strand). VCF-style: chr2-227057510-C-T. GRCh37 (hg19) VCF-style: chr2-227922226-C-T.
Other names: short protein forms G825D.
Identifiers: ClinVar variation 1975896 (VCV001975896.7), dbSNP rs1397321824, ClinGen allele CA350841308.